The following is an entry in ClinVar:

NM_153332.4(ERI1):c.583-9T>C

Gene: ERI1 (exoribonuclease 1). Cytogenetic location: 8p23.1.
Variant type: single nucleotide variant.
Coding change: c.583-9T>C on transcript NM_153332.4 (MANE Select); 9 bases into the intron before coding-DNA position 583, T replaced by C.
Molecular consequence: intron variant.
Genome position (GRCh38, 1-based): chr8:9,018,288, T>C. VCF-style: chr8-9018288-T-C. GRCh37 (hg19) VCF-style: chr8-8875798-T-C.
Other names: c.583-9T>C (NM_001354638.2); c.238-9T>C (NM_001354636.2); c.349-9T>C (NM_001354635.2).
Identifiers: ClinVar variation 3047058 (VCV003047058.2), dbSNP rs747593226, ClinGen allele CA4619903.

ClinVar aggregate classification (germline): Likely benign (0 of 4 stars; one submission).

Conditions:
ERI1-related disorder. Also called: ERI1-related condition.

Allele frequency attached by ClinVar (database versions not stated): gnomAD exomes 0.00001; ExAC 0.00002.
gnomAD v4.1: 18 of 1,560,362 alleles (0.0012%); highest among the groups gnomAD compares: South Asian, 0.016%; 1 homozygote.

Submission:

PreventionGenetics, part of Exact Sciences
Classification: Likely benign for ERI1-related condition. Last evaluated: 2019-04-10. Review status: no assertion criteria provided. Collection method: clinical testing. Allele origin: germline.
Comment: This variant is classified as likely benign based on ACMG/AMP sequence variant interpretation guidelines (Richards et al. 2015 PMID: 25741868, with internal and published modifications).